The following is an entry in ClinVar:

ClinVar aggregate classification (germline): Uncertain significance (1 of 4 stars; one submission).

Conditions:
Catecholaminergic polymorphic ventricular tachycardia 1. Also called: VENTRICULAR TACHYCARDIA, STRESS-INDUCED POLYMORPHIC 1; RYR2-Related Catecholaminergic Polymorphic Ventricular Tachycardia; VENTRICULAR TACHYCARDIA, CATECHOLAMINERGIC POLYMORPHIC, 1, WITH OR WITHOUT ATRIAL DYSFUNCTION AND/OR DILATED CARDIOMYOPATHY. Identifiers: Orphanet 3286, MedGen C1631597, MONDO:0011484, OMIM 604772.

Submission:

Labcorp Genetics (formerly Invitae), Labcorp
Classification: Uncertain significance for Catecholaminergic polymorphic ventricular tachycardia 1. Last evaluated: 2025-10-13. Review status: criteria provided, single submitter. Criteria: Invitae Variant Classification Sherloc (09022015). Collection method: clinical testing. Allele origin: germline.
Comment: This sequence change replaces cysteine, which is neutral and slightly polar, with arginine, which is basic and polar, at codon 158 of the RYR2 protein (p.Cys158Arg). This variant is not present in population databases (gnomAD no frequency). This variant has not been reported in the literature in individuals affected with RYR2-related conditions. Invitae Evidence Modeling of protein sequence and biophysical properties (such as structural, functional, and spatial information, amino acid conservation, physicochemical variation, residue mobility, and thermodynamic stability) indicates that this missense variant is expected to disrupt RYR2 protein function with a positive predictive value of 95%. In summary, the available evidence is currently insufficient to determine the role of this variant in disease. Therefore, it has been classified as a Variant of Uncertain Significance.

NM_001035.3(RYR2):c.472T>C (p.Cys158Arg)

Gene: RYR2 (ryanodine receptor 2; plus strand). Cytogenetic location: 1q43.
Variant type: single nucleotide variant.
Coding change: c.472T>C on transcript NM_001035.3 (MANE Select); coding-DNA position 472, T replaced by C.
Protein change: p.Cys158Arg; replaces cysteine 158 with arginine.
Molecular consequence: missense variant.
Genome position (GRCh38, 1-based): chr1:237,377,331, T>C. VCF-style: chr1-237377331-T-C. GRCh37 (hg19) VCF-style: chr1-237540631-T-C.
Other names: short protein forms C158R.
Identifiers: ClinVar variation 4800047 (VCV004800047.1).